The following is an entry in ClinVar:

ClinVar aggregate classification (germline): Uncertain significance. Review status: criteria provided, multiple submitters, no conflicts (2 of 4 stars). 3 submissions from 3 submitters: Uncertain significance (3). Last evaluated 2023-08-01.

Conditions:
Joubert syndrome 21 (JBTS21). Identifiers: MedGen C3810212, MONDO:0014288, OMIM 615636.

Allele frequency attached by ClinVar (database versions not stated): gnomAD exomes below 0.00001.
gnomAD v4.1: 2 of 1,613,586 alleles (0.00012%); highest among the groups gnomAD compares: Non-Finnish European, 0.00017%; no homozygotes.

Submissions (3):

CeGaT Center for Human Genetics Tuebingen
Classification: Uncertain significance. Last evaluated: 2023-08-01. Review status: criteria provided, single submitter. Criteria: CeGaT Center For Human Genetics Tuebingen Variant Classification Criteria Version 2. Collection method: clinical testing. Allele origin: germline. Affected: yes. Observed: 1 variant allele.
Comment: CSPP1: PM2

Labcorp Genetics (formerly Invitae), Labcorp
Classification: Uncertain significance for Joubert syndrome 21. Last evaluated: 2022-08-13. Review status: criteria provided, single submitter. Criteria: Invitae Variant Classification Sherloc (09022015). Collection method: clinical testing. Allele origin: germline.
Comment: ClinVar contains an entry for this variant (Variation ID: 1372375). This sequence change replaces phenylalanine, which is neutral and non-polar, with tyrosine, which is neutral and polar, at codon 3 of the CSPP1 protein (p.Phe3Tyr). This variant is not present in population databases (gnomAD no frequency). This variant has not been reported in the literature in individuals affected with CSPP1-related conditions. Algorithms developed to predict the effect of missense changes on protein structure and function (SIFT, PolyPhen-2, Align-GVGD) all suggest that this variant is likely to be tolerated. In summary, the available evidence is currently insufficient to determine the role of this variant in disease. Therefore, it has been classified as a Variant of Uncertain Significance.

Blueprint Genetics
Classification: Uncertain significance. Last evaluated: 2021-11-25. Review status: criteria provided, single submitter. Criteria: ACMG Guidelines, 2015. Collection method: clinical testing. Allele origin: germline.

NM_001382391.1(CSPP1):c.-143T>A

Gene: CSPP1 (centrosome and spindle pole associated protein 1; plus strand). Cytogenetic location: 8q13.1.
Variant type: single nucleotide variant.
Coding change: c.-143T>A on transcript NM_001382391.1 (MANE Select); 143 bases upstream of the start codon, T replaced by A.
Molecular consequence: 5 prime UTR variant. On other transcripts: missense variant (3).
Genome position (GRCh38, 1-based): chr8:67,064,406, T>A. VCF-style: chr8-67064406-T-A. GRCh37 (hg19) VCF-style: chr8-67976641-T-A.
Other names: c.-143T>A (NM_001363131.2, NM_001363132.2, NM_001363133.2); c.8T>A, p.Phe3Tyr (NM_001364869.1, NM_001364870.1, NM_024790.7); short protein forms F3Y.
Identifiers: ClinVar variation 1372375 (VCV001372375.32), dbSNP rs1164437313, ClinGen allele CA371208412.